The following is an entry in ClinVar:

ClinVar aggregate classification (germline): Uncertain significance. Review status: criteria provided, multiple submitters, no conflicts (2 of 4 stars). 2 submissions from 2 submitters: Uncertain significance (2). Last evaluated 2025-03-04.

Submissions (2):

Center for Genomic Medicine, Rigshospitalet, Copenhagen University Hospital
Classification: Uncertain significance. Last evaluated: 2025-03-04. Review status: criteria provided, single submitter. Criteria: ACMG Guidelines, 2015. Collection method: clinical testing. Allele origin: germline.

Labcorp Genetics (formerly Invitae), Labcorp
Classification: Uncertain significance. Last evaluated: 2021-05-28. Review status: criteria provided, single submitter. Criteria: Invitae Variant Classification Sherloc (09022015). Collection method: clinical testing. Allele origin: germline.
Comment: This variant is not present in population databases (ExAC no frequency). In summary, the available evidence is currently insufficient to determine the role of this variant in disease. Therefore, it has been classified as a Variant of Uncertain Significance. Algorithms developed to predict the effect of missense changes on protein structure and function (SIFT, PolyPhen-2, Align-GVGD) all suggest that this variant is likely to be disruptive, but these predictions have not been confirmed by published functional studies and their clinical significance is uncertain. This variant has not been reported in the literature in individuals with SPTB-related conditions. This sequence change replaces serine with tyrosine at codon 135 of the SPTB protein (p.Ser135Tyr). The serine residue is highly conserved and there is a large physicochemical difference between serine and tyrosine.

NM_001355436.2(SPTB):c.404C>A (p.Ser135Tyr)

Gene: SPTB (spectrin beta, erythrocytic; minus strand). Cytogenetic location: 14q23.3.
Variant type: single nucleotide variant.
Coding change: c.404C>A on transcript NM_001355436.2 (MANE Select); coding-DNA position 404, C replaced by A.
Protein change: p.Ser135Tyr; replaces serine 135 with tyrosine.
Molecular consequence: missense variant.
Genome position (GRCh38, 1-based): chr14:64,803,677, G>T on the plus strand (C>A on the coding strand, the complement: SPTB is on the minus strand). VCF-style: chr14-64803677-G-T. GRCh37 (hg19) VCF-style: chr14-65270395-G-T.
Other names: c.404C>A, p.Ser135Tyr (NM_001024858.4, NM_001355437.2); short protein forms S135Y.
Identifiers: ClinVar variation 1357010 (VCV001357010.9), dbSNP rs2139637283, ClinGen allele CA390034694.